The following is an entry in ClinVar:

NM_000273.3(GPR143):c.455+1G>A

Gene: GPR143 (G protein-coupled receptor 143; minus strand). Cytogenetic location: Xp22.2.
Variant type: single nucleotide variant.
Coding change: c.455+1G>A on transcript NM_000273.3 (MANE Select); the canonical splice donor site of the intron after coding-DNA position 455, G replaced by A.
Molecular consequence: splice donor variant.
Genome position (GRCh38, 1-based): chrX:9,759,331, C>T on the plus strand (G>A on the coding strand, the complement: GPR143 is on the minus strand). VCF-style: chrX-9759331-C-T. GRCh37 (hg19) VCF-style: chrX-9727371-C-T.
Identifiers: ClinVar variation 2010061 (VCV002010061.5), dbSNP rs281865181, ClinGen allele CA411998804.
Genomic context (GRCh38, chrX:9,759,331, plus strand): 5'-CATCTCTTATCTTCCCTCTAAAATAGAACTAGGGCAGAAATCCCATTTCCTCGGTGAATA[C>T]CTCAGTCCTGCCGATCTCCGGATCACCAGATAAGCATCCACTGCATAGCAAAACAGCCAC-3'

ClinVar aggregate classification (germline): Likely pathogenic. Review status: criteria provided, multiple submitters, no conflicts (2 of 4 stars). 2 submissions from 2 submitters: Likely pathogenic (2). Last evaluated 2025-06-17.

Conditions:
GPR143-related disorders.

Submissions (2):

Labcorp Genetics (formerly Invitae), Labcorp
Classification: Likely pathogenic. Last evaluated: 2025-06-17. Review status: criteria provided, single submitter. Criteria: Invitae Variant Classification Sherloc (09022015). Collection method: clinical testing. Allele origin: germline.
Comment: This sequence change affects a donor splice site in intron 3 of the GPR143 gene. It is expected to disrupt RNA splicing. Variants that disrupt the donor or acceptor splice site typically lead to a loss of protein function (PMID: 16199547), and loss-of-function variants in GPR143 are known to be pathogenic (PMID: 15965158, 18978956, 19390656, 21541274, 26160353, 28211458). This variant is not present in population databases (gnomAD no frequency). Disruption of this splice site has been observed in individual(s) with ocular albinism (PMID: 11214907). ClinVar contains an entry for this variant (Variation ID: 2010061). Algorithms developed to predict the effect of sequence changes on RNA splicing suggest that this variant may disrupt the consensus splice site. In summary, the currently available evidence indicates that the variant is pathogenic, but additional data are needed to prove that conclusively. Therefore, this variant has been classified as Likely Pathogenic.

Blueprint Genetics
Classification: Likely pathogenic for GPR143-related disorders. Last evaluated: 2024-02-20. Review status: criteria provided, single submitter. Criteria: ACMG Guidelines, 2015. Collection method: clinical testing. Allele origin: germline. Affected: yes. Observed: 2 variant alleles.

Literature cited by the submitters: PubMed 16199547 (cited by Labcorp Genetics (formerly Invitae), Labcorp); PubMed 15965158 (cited by Labcorp Genetics (formerly Invitae), Labcorp); PubMed 18978956 (cited by Labcorp Genetics (formerly Invitae), Labcorp); PubMed 19390656 (cited by Labcorp Genetics (formerly Invitae), Labcorp); PubMed 21541274 (cited by Labcorp Genetics (formerly Invitae), Labcorp); PubMed 26160353 (cited by Labcorp Genetics (formerly Invitae), Labcorp); PubMed 28211458 (cited by Labcorp Genetics (formerly Invitae), Labcorp); PubMed 11214907 (cited by Labcorp Genetics (formerly Invitae), Labcorp).